The following is an entry in ClinVar:

NM_001100913.3(PACS2):c.2225C>T (p.Pro742Leu)

Gene: PACS2 (phosphofurin acidic cluster sorting protein 2; plus strand). Cytogenetic location: 14q32.33.
Variant type: single nucleotide variant.
Coding change: c.2225C>T on transcript NM_001100913.3 (MANE Select); coding-DNA position 2225, C replaced by T.
Protein change: p.Pro742Leu; replaces proline 742 with leucine.
Molecular consequence: missense variant.
Genome position (GRCh38, 1-based): chr14:105,391,736, C>T. VCF-style: chr14-105391736-C-T. GRCh37 (hg19) VCF-style: chr14-105858073-C-T.
Other names: c.1955C>T, p.Pro652Leu (NM_001243127.3); c.2180C>T, p.Pro727Leu (NM_015197.4); short protein forms P727L, P742L, P652L.
Identifiers: ClinVar variation 1899691 (VCV001899691.6), dbSNP rs782503263, ClinGen allele CA7389201.

ClinVar aggregate classification (germline): Uncertain significance. Review status: criteria provided, multiple submitters, no conflicts (2 of 4 stars). 2 submissions from 2 submitters: Uncertain significance (2). Last evaluated 2025-01-07.

Allele frequency attached by ClinVar (database versions not stated): ExAC 0.00003.
gnomAD v4.1: 10 of 1,596,172 alleles (0.00063%); highest among the groups gnomAD compares: South Asian, 0.0011%; no homozygotes.

Submissions (2):

Labcorp Genetics (formerly Invitae), Labcorp
Classification: Uncertain significance. Last evaluated: 2025-01-07. Review status: criteria provided, single submitter. Criteria: Invitae Variant Classification Sherloc (09022015). Collection method: clinical testing. Allele origin: germline.
Comment: This sequence change replaces proline, which is neutral and non-polar, with leucine, which is neutral and non-polar, at codon 742 of the PACS2 protein (p.Pro742Leu). This variant is present in population databases (rs782503263, gnomAD 0.002%). This variant has not been reported in the literature in individuals affected with PACS2-related conditions. ClinVar contains an entry for this variant (Variation ID: 1899691). Invitae Evidence Modeling of protein sequence and biophysical properties (such as structural, functional, and spatial information, amino acid conservation, physicochemical variation, residue mobility, and thermodynamic stability) indicates that this missense variant is not expected to disrupt PACS2 protein function with a negative predictive value of 80%. In summary, the available evidence is currently insufficient to determine the role of this variant in disease. Therefore, it has been classified as a Variant of Uncertain Significance.

Blueprint Genetics
Classification: Uncertain significance. Last evaluated: 2024-08-26. Review status: criteria provided, single submitter. Criteria: ACMG Guidelines, 2015. Collection method: clinical testing. Allele origin: germline.